The following is an entry in ClinVar:

ClinVar aggregate classification (germline): Uncertain significance. Review status: criteria provided, multiple submitters, no conflicts (2 of 4 stars). 2 submissions from 2 submitters: Uncertain significance (2). Last evaluated 2025-07-03.

Allele frequency attached by ClinVar (database versions not stated): gnomAD exomes below 0.00001; TOPMed below 0.00001.
gnomAD v4.1: 1 of 1,560,514 alleles (0.000064%); highest among the groups gnomAD compares: Admixed American, 0.0019%; no homozygotes.

Submissions (2):

Labcorp Genetics (formerly Invitae), Labcorp
Classification: Uncertain significance. Last evaluated: 2025-07-03. Review status: criteria provided, single submitter. Criteria: Invitae Variant Classification Sherloc (09022015). Collection method: clinical testing. Allele origin: germline.
Comment: This sequence change replaces glycine, which is neutral and non-polar, with serine, which is neutral and polar, at codon 4 of the FN1 protein (p.Gly4Ser). This variant is not present in population databases (gnomAD no frequency). This variant has not been reported in the literature in individuals affected with FN1-related conditions. ClinVar contains an entry for this variant (Variation ID: 809150). Experimental studies and prediction algorithms are not available or were not evaluated, and the functional significance of this variant is currently unknown. In summary, the available evidence is currently insufficient to determine the role of this variant in disease. Therefore, it has been classified as a Variant of Uncertain Significance.

CeGaT Center for Human Genetics Tuebingen
Classification: Uncertain significance. Last evaluated: 2017-11-01. Review status: criteria provided, single submitter. Criteria: CeGaT Center For Human Genetics Tuebingen Variant Classification Criteria Version 2. Collection method: clinical testing. Allele origin: germline. Affected: yes. Observed: 1 variant allele.

NM_212482.4(FN1):c.10G>A (p.Gly4Ser)

Genes: FN1 (fibronectin 1; minus strand), FN1-DT (FN1 divergent transcript; plus strand). Cytogenetic location: 2q35.
Variant type: single nucleotide variant.
Coding change: c.10G>A on transcript NM_212482.4 (MANE Select); coding-DNA position 10, G replaced by A.
Protein change: p.Gly4Ser; replaces glycine 4 with serine.
Molecular consequence: missense variant.
Genome position (GRCh38, 1-based): chr2:215,435,793, C>T on the plus strand (G>A on the coding strand, the complement: FN1 is on the minus strand). VCF-style: chr2-215435793-C-T. GRCh37 (hg19) VCF-style: chr2-216300516-C-T.
Other names: c.10G>A, p.Gly4Ser (NM_001306129.2, NM_001306130.2, NM_001306131.2 and 14 more transcripts); short protein forms G4S.
Identifiers: ClinVar variation 809150 (VCV000809150.46), dbSNP rs1575949110, ClinGen allele CA350481250.